The following is an entry in ClinVar:

NM_206933.4(USH2A):c.14531C>A (p.Thr4844Lys)

Gene: USH2A (usherin; minus strand). Cytogenetic location: 1q41.
Variant type: single nucleotide variant.
Coding change: c.14531C>A on transcript NM_206933.4 (MANE Select); coding-DNA position 14531, C replaced by A.
Protein change: p.Thr4844Lys; replaces threonine 4844 with lysine.
Molecular consequence: missense variant.
Genome position (GRCh38, 1-based): chr1:215,648,579, G>T on the plus strand (C>A on the coding strand, the complement: USH2A is on the minus strand). VCF-style: chr1-215648579-G-T. GRCh37 (hg19) VCF-style: chr1-215821921-G-T.
Other names: c.14531C>A (NM_206933.2); short protein forms T4844K.
Identifiers: ClinVar variation 1007233 (VCV001007233.9), dbSNP rs200570742, ClinGen allele CA1393003.
Genomic context (GRCh38, chr1:215,648,579, plus strand): 5'-ACCCATTACCTGTGAATGACACCATTGGGGAACATGGGGGGACTCCACCGGAAGGAGGCC[G>T]TCCTTGAGGCCAGCGTCCCGATTTGTGGAGAGGACAGTCCTGAGGGTGGGGCAGGATGGG-3'
Protein context (NP_996816.3, residues 4834-4854): SPQIGTLASR[Thr4844Lys]ASFRWSPPMF

ClinVar aggregate classification (germline): Uncertain significance. Review status: criteria provided, multiple submitters, no conflicts (2 of 4 stars). 3 submissions from 3 submitters: Uncertain significance (2). 1 of the submissions does not count toward it. Last evaluated 2025-02-09.

Conditions:
Inborn genetic diseases. Identifiers: MedGen C0950123, MeSH D030342.
Usher syndrome type 2A. Also called: RETINAL DISEASE IN USHER SYNDROME TYPE IIA, MODIFIER OF; USHER SYNDROME, TYPE IIA. Identifiers: Orphanet 231178, Orphanet 886, MedGen C1848634, MONDO:0010169, OMIM 276901.

Allele frequency attached by ClinVar (database versions not stated): TOPMed 0.00006.
gnomAD v4.1: 10 of 1,614,068 alleles (0.00062%); highest among the groups gnomAD compares: African/African-American, 0.008%; no homozygotes.

Submissions (3):

Ambry Genetics
Classification: Uncertain significance for Inborn genetic diseases. Last evaluated: 2025-02-09. Review status: criteria provided, single submitter. Criteria: Ambry Variant Classification Scheme 2023. Collection method: clinical testing. Allele origin: germline.

Labcorp Genetics (formerly Invitae), Labcorp
Classification: Uncertain significance. Last evaluated: 2025-01-15. Review status: criteria provided, single submitter. Criteria: Invitae Variant Classification Sherloc (09022015). Collection method: clinical testing. Allele origin: germline.
Comment: This sequence change replaces threonine, which is neutral and polar, with lysine, which is basic and polar, at codon 4844 of the USH2A protein (p.Thr4844Lys). The frequency data for this variant in the population databases is considered unreliable, as metrics indicate poor data quality at this position in the gnomAD database. This variant has not been reported in the literature in individuals affected with USH2A-related conditions. ClinVar contains an entry for this variant (Variation ID: 1007233). Invitae Evidence Modeling of protein sequence and biophysical properties (such as structural, functional, and spatial information, amino acid conservation, physicochemical variation, residue mobility, and thermodynamic stability) indicates that this missense variant is not expected to disrupt USH2A protein function with a negative predictive value of 95%. In summary, the available evidence is currently insufficient to determine the role of this variant in disease. Therefore, it has been classified as a Variant of Uncertain Significance.

Natera, Inc.
Classification: Uncertain significance for Usher syndrome type 2A. Last evaluated: 2020-10-20. Review status: no assertion criteria provided. Collection method: clinical testing. Allele origin: germline. Not counted in ClinVar's aggregate classification.